The following is an entry in ClinVar:

ClinVar aggregate classification (germline): Likely pathogenic (1 of 4 stars; one submission).

Conditions:
Joubert syndrome. Also called: Familial aplasia of the vermis; JOUBERT-BOLTSHAUSER SYNDROME; CEREBELLOPARENCHYMAL DISORDER IV. Identifiers: Orphanet 475, MedGen C5979921, MONDO:0018772.

Submission:

Natera, Inc.
Classification: Likely pathogenic for Joubert syndrome. Last evaluated: 2024-09-23. Review status: criteria provided, single submitter. Criteria: Natera Variant Classification Schema (03/2026). Collection method: clinical testing. Allele origin: germline.
Comment: The c.1351G>T variant in RPGRIP1L is a nonsense variant predicted to introduce a stop codon at amino acid 451. This variant is expected to result in nonsense mediated decay, truncation, or a dysfunctional protein product. This variant is rare in the general population with a frequency below the threshold expected for the associated phenotype(s). Given the available evidence, this variant is classified as Likely Pathogenic.

NM_015272.5(RPGRIP1L):c.1351G>T (p.Glu451Ter)

Gene: RPGRIP1L (RPGRIP1 like; minus strand). Cytogenetic location: 16q12.2.
Variant type: single nucleotide variant.
Coding change: c.1351G>T on transcript NM_015272.5 (MANE Select); coding-DNA position 1351, G replaced by T.
Protein change: p.Glu451Ter; replaces glutamic acid 451 with a stop codon.
Molecular consequence: nonsense.
Genome position (GRCh38, 1-based): chr16:53,658,464, C>A on the plus strand (G>T on the coding strand, the complement: RPGRIP1L is on the minus strand). VCF-style: chr16-53658464-C-A. GRCh37 (hg19) VCF-style: chr16-53692376-C-A.
Other names: c.1351G>T, p.Glu451Ter (NM_001127897.4, NM_001308334.3, NM_001330538.2); short protein forms E451*.
Identifiers: ClinVar variation 4815827 (VCV004815827.1).